The following is an entry in ClinVar:

NM_001267550.2(TTN):c.105703A>T (p.Lys35235Ter)

Genes: TTN (titin; minus strand), TTN-AS1 (TTN antisense RNA 1; plus strand), LOC129935183 (ATAC-STARR-seq lymphoblastoid active region 16808; plus strand). Cytogenetic location: 2q31.2.
Variant type: single nucleotide variant.
Coding change: c.105703A>T on transcript NM_001267550.2 (MANE Select); coding-DNA position 105703, A replaced by T.
Protein change: p.Lys35235Ter; replaces lysine 35235 with a stop codon.
Molecular consequence: nonsense.
Genome position (GRCh38, 1-based): chr2:178,530,912, T>A on the plus strand (A>T on the coding strand, the complement: TTN is on the minus strand). VCF-style: chr2-178530912-T-A. GRCh37 (hg19) VCF-style: chr2-179395639-T-A.
Other names: c.100780A>T, p.Lys33594Ter (NM_001256850.1); c.78508A>T, p.Lys26170Ter (NM_003319.4); c.97999A>T, p.Lys32667Ter (NM_133378.4); c.78883A>T, p.Lys26295Ter (NM_133432.3); c.79084A>T, p.Lys26362Ter (NM_133437.4); short protein forms K26295*, K33594*, K26170*, K35235*, K26362*, K32667*.
Identifiers: ClinVar variation 2953453 (VCV002953453.3), dbSNP rs2468388434, ClinGen allele CA349408047.
Genomic context (GRCh38, chr2:178,530,912, plus strand): 5'-ATTTCACTCGTTTTGGAGACTTAACTGCTTCTGGGGATTTCACCCGAGGCTCTGGGGATT[T>A]GACTCTTGGTGGTGATGTCACAGCCTTTTCAGTTACCCTGGCCTTTTGAATAGTCAGAGT-3'

ClinVar aggregate classification (germline): Likely pathogenic (1 of 4 stars; one submission).

Conditions:
Autosomal recessive limb-girdle muscular dystrophy type 2J (LGMDR10). Also called: Limb-girdle muscular dystrophy, type 2J; MUSCULAR DYSTROPHY, LIMB-GIRDLE, AUTOSOMAL RECESSIVE 10. Identifiers: Orphanet 140922, MedGen C1837342, MONDO:0012127, OMIM 608807.
Dilated cardiomyopathy 1G (CMD1G). Identifiers: Orphanet 154, MedGen C1858763, MONDO:0011400, OMIM 604145.

Allele frequency attached by ClinVar (database versions not stated): gnomAD exomes below 0.00001.
gnomAD v4.1: 2 of 1,613,998 alleles (0.00012%); highest among the groups gnomAD compares: Non-Finnish European, 0.00017%; no homozygotes.

Submission:

Labcorp Genetics (formerly Invitae), Labcorp
Classification: Likely pathogenic for Dilated cardiomyopathy 1G; Autosomal recessive limb-girdle muscular dystrophy type 2J. Last evaluated: 2024-08-08. Review status: criteria provided, single submitter. Criteria: Invitae Variant Classification Sherloc (09022015). Collection method: clinical testing. Allele origin: germline.
Comment: This sequence change creates a premature translational stop signal (p.Lys35235*) in the TTN gene. While this is not anticipated to result in nonsense mediated decay, it is expected to create a truncated TTN protein. This variant is not present in population databases (gnomAD no frequency). This variant has not been reported in the literature in individuals affected with TTN-related conditions. This variant is located in the M band of TTN (PMID: 25589632). Truncating variants in this region have been previously reported in individuals affected with autosomal recessive myopathy and muscular dystrophy (PMID: 18948003, 23975875, 24395473). Truncating variants in this region have also been identified in individuals affected with autosomal dominant dilated cardiomyopathy and/or cardio-related conditions (PMID: 27869827, 32964742, Invitae internal data). In summary, the currently available evidence indicates that the variant is pathogenic, but additional data are needed to prove that conclusively. Therefore, this variant has been classified as Likely Pathogenic.

Literature cited by the submitters: PubMed 25589632; PubMed 18948003; PubMed 23975875; PubMed 24395473; PubMed 27869827; PubMed 32964742.